The following is an entry in ClinVar:

ClinVar aggregate classification (germline): Uncertain significance (1 of 4 stars; one submission).

Allele frequency attached by ClinVar (database versions not stated): gnomAD exomes below 0.00001.
gnomAD v4.1: 1 of 1,158,731 alleles (0.000086%); highest among the groups gnomAD compares: African/African-American, 0.0018%; no homozygotes.

Submission:

GeneDx
Classification: Uncertain significance. Last evaluated: 2022-04-05. Review status: criteria provided, single submitter. Criteria: GeneDx Variant Classification Process June 2021. Collection method: clinical testing. Allele origin: germline. Affected: yes.
Comment: Not observed at significant frequency in large population cohorts (gnomAD); In-silico analysis is inconclusive as to whether the variant alters gene splicing. In the absence of RNA/functional studies, the actual effect of this sequence change is unknown.; Has not been previously published as pathogenic or benign to our knowledge

NM_001368397.1(FRMPD4):c.41+3A>G

Gene: FRMPD4 (FERM and PDZ domain containing 4; plus strand). Cytogenetic location: Xp22.2.
Variant type: single nucleotide variant.
Coding change: c.41+3A>G on transcript NM_001368397.1 (MANE Select); 3 bases into the intron after coding-DNA position 41, A replaced by G.
Molecular consequence: intron variant.
Genome position (GRCh38, 1-based): chrX:12,139,015, A>G. VCF-style: chrX-12139015-A-G. GRCh37 (hg19) VCF-style: chrX-12157134-A-G.
Other names: c.152+260997A>G (NM_001368398.3, NM_001368395.3); c.-81+73440A>G (NM_001368402.3); c.-80+73440A>G (NM_001368400.3); c.32+1250A>G (NM_001368399.3); c.41+3A>G (NM_014728.3, NM_001368396.3); c.-81+3A>G (NM_001368401.1).
Identifiers: ClinVar variation 1708616 (VCV001708616.2), dbSNP rs2518741775, ClinGen allele CA2580100019.
Genomic context (GRCh38, chrX:12,139,015, plus strand): 5'-GGTCCCCAGCTGCCTGCATGGATGTCTTCAGCTTTGTGAAGATTGCAAAGCTTTCGAGGT[A>G]GGGGCTGCGCGGGTTCCGTTTGCACCCAGGGCCGCTGCCGCGGGCAACTTGGTGCCTTAT-3'